The following is an entry in ClinVar:

ClinVar aggregate classification (germline): Uncertain significance. Review status: criteria provided, multiple submitters, no conflicts (2 of 4 stars). 2 submissions from 2 submitters: Uncertain significance (2). Last evaluated 2023-10-27.

Allele frequency attached by ClinVar (database versions not stated): gnomAD exomes below 0.00001 and 0.00001; TOPMed below 0.00001; gnomAD 0.00001.

Submissions (2):

Blueprint Genetics
Classification: Uncertain significance. Last evaluated: 2023-10-27. Review status: criteria provided, single submitter. Criteria: ACMG Guidelines, 2015. Collection method: clinical testing. Allele origin: germline.

Labcorp Genetics (formerly Invitae), Labcorp
Classification: Uncertain significance. Last evaluated: 2022-08-09. Review status: criteria provided, single submitter. Criteria: Invitae Variant Classification Sherloc (09022015). Collection method: clinical testing. Allele origin: germline.
Comment: This sequence change replaces threonine, which is neutral and polar, with alanine, which is neutral and non-polar, at codon 279 of the RBP3 protein (p.Thr279Ala). This variant is present in population databases (no rsID available, gnomAD 0.006%). This variant has not been reported in the literature in individuals affected with RBP3-related conditions. ClinVar contains an entry for this variant (Variation ID: 1045426). Algorithms developed to predict the effect of missense changes on protein structure and function output the following: SIFT: "Deleterious"; PolyPhen-2: "Possibly Damaging"; Align-GVGD: "Class C0". The alanine amino acid residue is found in multiple mammalian species, which suggests that this missense change does not adversely affect protein function. In summary, the available evidence is currently insufficient to determine the role of this variant in disease. Therefore, it has been classified as a Variant of Uncertain Significance.

NM_002900.3(RBP3):c.835A>G (p.Thr279Ala)

Gene: RBP3 (retinol binding protein 3; plus strand). Cytogenetic location: 10q11.22.
Variant type: single nucleotide variant.
Coding change: c.835A>G on transcript NM_002900.3 (MANE Select); coding-DNA position 835, A replaced by G.
Protein change: p.Thr279Ala; replaces threonine 279 with alanine.
Molecular consequence: missense variant.
Genome position (GRCh38, 1-based): chr10:47,349,319, A>G. VCF-style: chr10-47349319-A-G. GRCh37 (hg19) VCF-style: chr10-48390043-T-C.
Other names: short protein forms T279A.
Identifiers: ClinVar variation 1045426 (VCV001045426.7), dbSNP rs1447506837, ClinGen allele CA376666839.